The following is an entry in ClinVar:

ClinVar aggregate classification (germline): Pathogenic (1 of 4 stars; one submission).

Conditions:
Intellectual developmental disorder, autosomal recessive 66. Also called: Intellectual disability, autosomal recessive 66; Mental retardation, autosomal recessive 66. Identifiers: MedGen C4748732, MONDO:0032605, OMIM 618221.

gnomAD v4.1: 11 of 1,571,888 alleles (0.0007%); highest among the groups gnomAD compares: South Asian, 0.0024%; no homozygotes.

Submission:

Juno Genomics, Hangzhou Juno Genomics, Inc
Classification: Pathogenic for Intellectual developmental disorder, autosomal recessive 66. Review status: criteria provided, single submitter. Criteria: ACMG Guidelines, 2015. Collection method: clinical testing. Allele origin: germline. Affected: yes.
Comment: Absent from controls (or at extremely low frequency if recessive) in Genome Aggregation Database, Exome Sequencing Project, 1000 Genomes Project, or Exome Aggregation Consortium.;Null variant in a gene where loss of function (LOF) is a known mechanism of disease.;For recessive disorders, detected in trans with a pathogenic variant.;Co-segregation with disease in multiple affected family members in a gene definitively known to cause the disease.

NM_020374.4(FERRY3):c.499C>T (p.Arg167Ter)

Gene: FERRY3 (FERRY endosomal RAB5 effector complex subunit 3; minus strand). Cytogenetic location: 12p13.32.
Variant type: single nucleotide variant.
Coding change: c.499C>T on transcript NM_020374.4 (MANE Select); coding-DNA position 499, C replaced by T.
Protein change: p.Arg167Ter; replaces arginine 167 with a stop codon.
Molecular consequence: nonsense. On other transcripts: 5 prime UTR variant (3), non-coding transcript variant (3).
Genome position (GRCh38, 1-based): chr12:4,529,876, G>A on the plus strand (C>T on the coding strand, the complement: FERRY3 is on the minus strand). VCF-style: chr12-4529876-G-A. GRCh37 (hg19) VCF-style: chr12-4639042-G-A.
Other names: c.499C>T, p.Arg167Ter (NM_001304811.2, NM_001346153.2, NM_001346155.2); c.-21C>T (NM_001346156.2, NM_001346157.2); c.-247C>T (NM_001352962.2); short protein forms R167*.
Identifiers: ClinVar variation 3392491 (VCV003392491.2).